The following is an entry in ClinVar:

ClinVar aggregate classification (germline): Uncertain significance (1 of 4 stars; one submission).

Conditions:
Argininosuccinate lyase deficiency. Also called: ARGININOSUCCINIC ACID LYASE DEFICIENCY; ASL DEFICIENCY; Argininosuccinic aciduria. Identifiers: Orphanet 23, MedGen C0268547, MONDO:0008815, OMIM 207900, HP:0025630.

Submission:

Labcorp Genetics (formerly Invitae), Labcorp
Classification: Uncertain significance for Argininosuccinate lyase deficiency. Last evaluated: 2024-07-01. Review status: criteria provided, single submitter. Criteria: Invitae Variant Classification Sherloc (09022015). Collection method: clinical testing. Allele origin: germline.
Comment: This variant, c.530_532dup, results in the insertion of 1 amino acid(s) of the ASL protein (p.Ala177dup), but otherwise preserves the integrity of the reading frame. This variant is not present in population databases (gnomAD no frequency). This variant has been observed in individual(s) with argininosuccinate lyase deficiency (Invitae). In at least one individual the data is consistent with being in trans (on the opposite chromosome) from a pathogenic variant. Experimental studies and prediction algorithms are not available or were not evaluated, and the functional significance of this variant is currently unknown. In summary, the available evidence is currently insufficient to determine the role of this variant in disease. Therefore, it has been classified as a Variant of Uncertain Significance.

NM_000048.4(ASL):c.530_532dup (p.Ala177_Val178insAla)

Gene: ASL (argininosuccinate lyase; plus strand). Cytogenetic location: 7q11.21.
Variant type: Duplication.
Coding change: c.530_532dup on transcript NM_000048.4 (MANE Select); coding-DNA positions 530 to 532, 3 bases duplicated (CCG; older notation c.530_532dupCCG).
Protein change: p.Ala177_Val178insAla.
Molecular consequence: intron variant (on NM_001024946.2).
Genome position (GRCh38, 1-based): chr7:66,086,749-66,086,751, CCG duplicated; duplicating any 3 consecutive bases within chr7:66,086,747-66,086,751 gives the same sequence; the c. name uses the placement nearest the transcript's 3' end. VCF-style (leftmost placement, unchanged base first): chr7-66086746-A-ACGC. GRCh37 (hg19) VCF-style: chr7-65551733-A-ACGC.
Other names: c.530_532dup, p.Ala177_Val178insAla (NM_001024943.2, NM_001024944.2); c.524+87_524+89dup (NM_001024946.2).
Identifiers: ClinVar variation 3689960 (VCV003689960.2).